The following is an entry in ClinVar:

NM_005886.3(KATNB1):c.1119C>T (p.Arg373=)

Gene: KATNB1 (katanin regulatory subunit B1; plus strand). Cytogenetic location: 16q21.
Variant type: single nucleotide variant.
Coding change: c.1119C>T on transcript NM_005886.3 (MANE Select); coding-DNA position 1119, C replaced by T.
Protein change: p.Arg373=; no amino-acid change (arginine 373 retained).
Molecular consequence: synonymous variant.
Genome position (GRCh38, 1-based): chr16:57,753,461, C>T. VCF-style: chr16-57753461-C-T. GRCh37 (hg19) VCF-style: chr16-57787373-C-T.
Identifiers: ClinVar variation 768781 (VCV000768781.15), dbSNP rs34172537, ClinGen allele CA8081034.

ClinVar aggregate classification (germline): Benign. Review status: criteria provided, multiple submitters, no conflicts (2 of 4 stars). 4 submissions from 4 submitters: Benign (3). 1 of the submissions does not count toward it. Last evaluated 2026-01-27.

Conditions:
KATNB1-related disorder. Also called: KATNB1-related condition.

Allele frequency attached by ClinVar (database versions not stated): gnomAD exomes 0.00356 and 0.00138; ExAC 0.00453; gnomAD 0.01390 and 0.01494; ESP Exome Variant Server 0.01617; 1000 Genomes Project 30x 0.01686; TOPMed 0.01577; 1000 Genomes Project 0.01617.
gnomAD v4.1: 4,229 of 1,613,220 alleles (0.26%); highest among the groups gnomAD compares: African/African-American, 5%; 86 homozygotes.

Submissions (4):

Labcorp Genetics (formerly Invitae), Labcorp
Classification: Benign. Last evaluated: 2026-01-27. Review status: criteria provided, single submitter. Criteria: Invitae Variant Classification Sherloc (09022015). Collection method: clinical testing. Allele origin: germline.

GeneDx
Classification: Benign. Last evaluated: 2018-07-17. Review status: criteria provided, single submitter. Criteria: GeneDx Variant Classification Process June 2021. Collection method: clinical testing. Allele origin: germline. Affected: yes.

Breakthrough Genomics
Classification: Benign. Review status: criteria provided, single submitter. Criteria: ACMG Guidelines, 2015. Collection method: not provided. Allele origin: germline. Inheritance: Autosomal recessive inheritance. Affected: yes.

PreventionGenetics, part of Exact Sciences
Classification: Benign for KATNB1-related condition. Last evaluated: 2019-08-28. Review status: no assertion criteria provided. Collection method: clinical testing. Allele origin: germline. Not counted in ClinVar's aggregate classification.
Comment: This variant is classified as benign based on ACMG/AMP sequence variant interpretation guidelines (Richards et al. 2015 PMID: 25741868, with internal and published modifications).